The following is an entry in ClinVar:

NM_001099271.2(POC5):c.117A>G (p.Ile39Met)

Gene: POC5 (POC5 centriolar protein; minus strand). Cytogenetic location: 5q13.3.
Variant type: single nucleotide variant.
Coding change: c.117A>G on transcript NM_001099271.2 (MANE Select); coding-DNA position 117, A replaced by G.
Protein change: p.Ile39Met; replaces isoleucine 39 with methionine.
Molecular consequence: missense variant.
Genome position (GRCh38, 1-based): chr5:75,707,843, T>C on the plus strand (A>G on the coding strand, the complement: POC5 is on the minus strand). VCF-style: chr5-75707843-T-C. GRCh37 (hg19) VCF-style: chr5-75003668-T-C.
Other names: c.42A>G, p.Ile14Met (NM_152408.3); short protein forms I39M, I14M.
Identifiers: ClinVar variation 1963126 (VCV001963126.5), dbSNP rs187360501, ClinGen allele CA3310640.

ClinVar aggregate classification (germline): Uncertain significance (1 of 4 stars; one submission).

Allele frequency attached by ClinVar (database versions not stated): gnomAD exomes below 0.00001; gnomAD 0.00004; TOPMed 0.00004; ESP Exome Variant Server 0.00008; ExAC 0.00010; 1000 Genomes Project 0.00040; 1000 Genomes Project 30x 0.00047.
gnomAD v4.1: 13 of 1,591,678 alleles (0.00082%); highest among the groups gnomAD compares: African/African-American, 0.016%; 1 homozygote.

Submission:

Labcorp Genetics (formerly Invitae), Labcorp
Classification: Uncertain significance. Last evaluated: 2025-12-11. Review status: criteria provided, single submitter. Criteria: Invitae Variant Classification Sherloc (09022015). Collection method: clinical testing. Allele origin: germline.
Comment: This sequence change replaces isoleucine, which is neutral and non-polar, with methionine, which is neutral and non-polar, at codon 39 of the POC5 protein (p.Ile39Met). This variant is present in population databases (rs187360501, gnomAD 0.04%). This variant has not been reported in the literature in individuals affected with POC5-related conditions. ClinVar contains an entry for this variant (Variation ID: 1963126). An algorithm developed to predict the effect of missense changes on protein structure and function (PolyPhen-2) suggests that this variant is likely to be tolerated. In summary, the available evidence is currently insufficient to determine the role of this variant in disease. Therefore, it has been classified as a Variant of Uncertain Significance.